The following is an entry in ClinVar:

NM_005235.3(ERBB4):c.1834C>G (p.Arg612Gly)

Gene: ERBB4 (erb-b2 receptor tyrosine kinase 4; minus strand). Cytogenetic location: 2q34.
Variant type: single nucleotide variant.
Coding change: c.1834C>G on transcript NM_005235.3 (MANE Select); coding-DNA position 1834, C replaced by G.
Protein change: p.Arg612Gly; replaces arginine 612 with glycine.
Molecular consequence: missense variant.
Genome position (GRCh38, 1-based): chr2:211,665,360, G>C on the plus strand (C>G on the coding strand, the complement: ERBB4 is on the minus strand). VCF-style: chr2-211665360-G-C. GRCh37 (hg19) VCF-style: chr2-212530085-G-C.
Other names: c.1834C>G, p.Arg612Gly (NM_001042599.2, NM_001439005.1, NM_001439006.1); short protein forms R612G.
Identifiers: ClinVar variation 4737766 (VCV004737766.1).

ClinVar aggregate classification (germline): Uncertain significance (1 of 4 stars; one submission).

gnomAD v4.1: 27 of 1,614,134 alleles (0.0017%); highest among the groups gnomAD compares: Non-Finnish European, 0.0021%; no homozygotes.

Submission:

Labcorp Genetics (formerly Invitae), Labcorp
Classification: Uncertain significance. Last evaluated: 2026-01-07. Review status: criteria provided, single submitter. Criteria: Invitae Variant Classification Sherloc (09022015). Collection method: clinical testing. Allele origin: germline.
Comment: This sequence change replaces arginine, which is basic and polar, with glycine, which is neutral and non-polar, at codon 612 of the ERBB4 protein (p.Arg612Gly). This variant is not present in population databases (gnomAD no frequency). This variant has not been reported in the literature in individuals affected with ERBB4-related conditions. Invitae Evidence Modeling of protein sequence and biophysical properties (such as structural, functional, and spatial information, amino acid conservation, physicochemical variation, residue mobility, and thermodynamic stability) indicates that this missense variant is not expected to disrupt ERBB4 protein function with a negative predictive value of 80%. In summary, the available evidence is currently insufficient to determine the role of this variant in disease. Therefore, it has been classified as a Variant of Uncertain Significance.